The following is an entry in ClinVar:

ClinVar aggregate classification (germline): Uncertain significance (1 of 4 stars; one submission).

Allele frequency attached by ClinVar (database versions not stated): TOPMed 0.00002; gnomAD 0.00003 and 0.00004.

Submission:

Labcorp Genetics (formerly Invitae), Labcorp
Classification: Uncertain significance. Last evaluated: 2022-05-04. Review status: criteria provided, single submitter. Criteria: Invitae Variant Classification Sherloc (09022015). Collection method: clinical testing. Allele origin: germline.
Comment: This variant has not been reported in the literature in individuals affected with SLC34A1-related conditions. In summary, the available evidence is currently insufficient to determine the role of this variant in disease. Therefore, it has been classified as a Variant of Uncertain Significance. Algorithms developed to predict the effect of missense changes on protein structure and function are either unavailable or do not agree on the potential impact of this missense change (SIFT: "Deleterious"; PolyPhen-2: "Probably Damaging"; Align-GVGD: "Class C0"). This variant is present in population databases (rs767807252, gnomAD 0.002%). This sequence change replaces proline, which is neutral and non-polar, with leucine, which is neutral and non-polar, at codon 42 of the SLC34A1 protein (p.Pro42Leu).

NM_003052.5(SLC34A1):c.125C>T (p.Pro42Leu)

Gene: SLC34A1 (solute carrier family 34 member 1; plus strand). Cytogenetic location: 5q35.3.
Variant type: single nucleotide variant.
Coding change: c.125C>T on transcript NM_003052.5 (MANE Select); coding-DNA position 125, C replaced by T.
Protein change: p.Pro42Leu; replaces proline 42 with leucine.
Molecular consequence: missense variant.
Genome position (GRCh38, 1-based): chr5:177,386,002, C>T. VCF-style: chr5-177386002-C-T. GRCh37 (hg19) VCF-style: chr5-176813003-C-T.
Other names: c.125C>T, p.Pro42Leu (NM_001167579.2); short protein forms P42L.
Identifiers: ClinVar variation 1360030 (VCV001360030.9), dbSNP rs767807252, ClinGen allele CA3580270.